The following is an entry in ClinVar:

ClinVar aggregate classification (germline): Uncertain significance (1 of 4 stars; one submission).

Allele frequency attached by ClinVar (database versions not stated): TOPMed below 0.00001; ExAC 0.00001; gnomAD exomes 0.00002.
gnomAD v4.1: 9 of 1,614,084 alleles (0.00056%); highest among the groups gnomAD compares: Non-Finnish European, 0.00076%; no homozygotes.

Submission:

Labcorp Genetics (formerly Invitae), Labcorp
Classification: Uncertain significance. Last evaluated: 2022-10-04. Review status: criteria provided, single submitter. Criteria: Invitae Variant Classification Sherloc (09022015). Collection method: clinical testing. Allele origin: germline.
Comment: In summary, the available evidence is currently insufficient to determine the role of this variant in disease. Therefore, it has been classified as a Variant of Uncertain Significance. Algorithms developed to predict the effect of sequence changes on RNA splicing suggest that this variant may create or strengthen a splice site. Algorithms developed to predict the effect of missense changes on protein structure and function are either unavailable or do not agree on the potential impact of this missense change (SIFT: "Tolerated"; PolyPhen-2: "Possibly Damaging"; Align-GVGD: "Class C0"). This variant has not been reported in the literature in individuals affected with MACF1-related conditions. This variant is present in population databases (rs757299416, gnomAD 0.002%). This sequence change replaces methionine, which is neutral and non-polar, with isoleucine, which is neutral and non-polar, at codon 4055 of the MACF1 protein (p.Met4055Ile).

NM_001394062.1(MACF1):c.18342G>A (p.Met6114Ile)

Gene: MACF1 (microtubule actin crosslinking factor 1; plus strand). Cytogenetic location: 1p34.3.
Variant type: single nucleotide variant.
Coding change: c.18342G>A on transcript NM_001394062.1 (MANE Select); coding-DNA position 18342, G replaced by A.
Protein change: p.Met6114Ile; replaces methionine 6114 with isoleucine.
Molecular consequence: missense variant.
Genome position (GRCh38, 1-based): chr1:39,439,395, G>A. VCF-style: chr1-39439395-G-A. GRCh37 (hg19) VCF-style: chr1-39905067-G-A.
Other names: c.6420G>A, p.Met2140Ile (NM_001397473.1); c.12165G>A, p.Met4055Ile (NM_012090.5); short protein forms M2140I, M6114I, M4055I.
Identifiers: ClinVar variation 2071079 (VCV002071079.4), dbSNP rs757299416, ClinGen allele CA783860.